The following is an entry in ClinVar:

NM_001374828.1(ARID1B):c.615GCA[4] (p.Gln212_Gln214del)

Genes: ARID1B (AT-rich interaction domain 1B; plus strand), LOC115308161 (uncharacterized LOC115308161; minus strand). Cytogenetic location: 6q25.3.
Variant type: Microsatellite.
Coding change: c.615GCA[4] on transcript NM_001374828.1 (MANE Select); four copies in a row of the 3-base unit GCA starting at c.615; the reference has seven copies in a row; three copies, 9 bases deleted.
Protein change: p.Gln212_Gln214del.
Molecular consequence: inframe deletion. On other transcripts: non-coding transcript variant (1).
Genome position (GRCh38, 1-based): chr6:156,778,307-156,778,315, GCAGCAGCA deleted; deleting any 9 consecutive bases within chr6:156,778,293-156,778,315 gives the same sequence; the position shown is the placement nearest the transcript's 3' end. VCF-style (leftmost placement, unchanged base first): chr6-156778292-ACAGCAGCAG-A. GRCh37 (hg19) VCF-style: chr6-157099426-ACAGCAGCAG-A.
Other names: c.378_386delGCAGCAGCA (NM_020732.3); c.615GCA[4], p.Gln212_Gln214del (NM_001371656.1, NM_001374820.1, NM_017519.3).
Identifiers: ClinVar variation 591725 (VCV000591725.27), dbSNP rs587779744, ClinGen allele CA4066660.

ClinVar aggregate classification (germline): Likely benign. Review status: criteria provided, multiple submitters, no conflicts (2 of 4 stars). 4 submissions from 4 submitters: Likely benign (3). 1 of the submissions does not count toward it. Last evaluated 2025-10-16.

Conditions:
Inborn genetic diseases. Identifiers: MedGen C0950123, MeSH D030342.

Submissions (4):

Labcorp Genetics (formerly Invitae), Labcorp
Classification: Likely benign. Last evaluated: 2025-10-16. Review status: criteria provided, single submitter. Criteria: Invitae Variant Classification Sherloc (09022015). Collection method: clinical testing. Allele origin: germline.

Ambry Genetics
Classification: Likely benign for Inborn genetic diseases. Last evaluated: 2024-10-16. Review status: criteria provided, single submitter. Criteria: Ambry Variant Classification Scheme 2023. Collection method: clinical testing. Allele origin: germline.

CeGaT Center for Human Genetics Tuebingen
Classification: Likely benign. Last evaluated: 2024-05-01. Review status: criteria provided, single submitter. Criteria: CeGaT Center For Human Genetics Tuebingen Variant Classification Criteria Version 2. Collection method: clinical testing. Allele origin: germline. Affected: yes. Observed: 2 variant alleles.
Comment: ARID1B: BS2

Gharavi Laboratory, Columbia University
Classification: Uncertain significance. Last evaluated: 2018-09-16. Review status: no assertion criteria provided. Criteria: ACMG Guidelines, 2015. Collection method: research. Allele origin: germline. Affected: yes. Not counted in ClinVar's aggregate classification.